The following is an entry in ClinVar:

NM_017617.5(NOTCH1):c.7019C>T (p.Pro2340Leu)

Gene: NOTCH1 (notch receptor 1; minus strand). Cytogenetic location: 9q34.3.
Variant type: single nucleotide variant.
Coding change: c.7019C>T on transcript NM_017617.5 (MANE Select); coding-DNA position 7019, C replaced by T.
Protein change: p.Pro2340Leu; replaces proline 2340 with leucine.
Molecular consequence: missense variant.
Genome position (GRCh38, 1-based): chr9:136,496,720, G>A on the plus strand (C>T on the coding strand, the complement: NOTCH1 is on the minus strand). VCF-style: chr9-136496720-G-A. GRCh37 (hg19) VCF-style: chr9-139391172-G-A.
Other names: short protein forms P2340L.
Identifiers: ClinVar variation 2452180 (VCV002452180.5), dbSNP rs1254082910, ClinGen allele CA375629246.

ClinVar aggregate classification (germline): Uncertain significance. Review status: criteria provided, multiple submitters, no conflicts (2 of 4 stars). 3 submissions from 3 submitters: Uncertain significance (3). Last evaluated 2025-07-14.

Conditions:
Familial thoracic aortic aneurysm and aortic dissection (TAAD). Also called: Thoracic aortic aneurysms and dissections. Identifiers: Orphanet 91387, MedGen C4707243, MONDO:0019625.
Adams-Oliver syndrome 5 (AOS5). Identifiers: Orphanet 974, MedGen C4014970, MONDO:0014459, OMIM 616028.

Allele frequency attached by ClinVar (database versions not stated): gnomAD exomes below 0.00001; gnomAD 0.00001; TOPMed 0.00002.
gnomAD v4.1: 4 of 1,612,738 alleles (0.00025%); highest among the groups gnomAD compares: Non-Finnish European, 0.00034%; no homozygotes.

Submissions (3):

GeneDx
Classification: Uncertain significance. Last evaluated: 2025-07-14. Review status: criteria provided, single submitter. Criteria: GeneDx Variant Classification Process June 2021. Collection method: clinical testing. Allele origin: germline. Affected: yes.
Comment: Not observed at significant frequency in large population cohorts (gnomAD); In silico analysis suggests that this missense variant does not alter protein structure/function; Has not been previously published as pathogenic or benign to our knowledge

Labcorp Genetics (formerly Invitae), Labcorp
Classification: Uncertain significance for Adams-Oliver syndrome 5. Last evaluated: 2024-11-11. Review status: criteria provided, single submitter. Criteria: Invitae Variant Classification Sherloc (09022015). Collection method: clinical testing. Allele origin: germline.
Comment: This sequence change replaces proline, which is neutral and non-polar, with leucine, which is neutral and non-polar, at codon 2340 of the NOTCH1 protein (p.Pro2340Leu). This variant is not present in population databases (gnomAD no frequency). This variant has not been reported in the literature in individuals affected with NOTCH1-related conditions. ClinVar contains an entry for this variant (Variation ID: 2452180). Invitae Evidence Modeling of protein sequence and biophysical properties (such as structural, functional, and spatial information, amino acid conservation, physicochemical variation, residue mobility, and thermodynamic stability) indicates that this missense variant is not expected to disrupt NOTCH1 protein function with a negative predictive value of 95%. In summary, the available evidence is currently insufficient to determine the role of this variant in disease. Therefore, it has been classified as a Variant of Uncertain Significance.

Ambry Genetics
Classification: Uncertain significance for Familial thoracic aortic aneurysm and aortic dissection. Last evaluated: 2022-12-09. Review status: criteria provided, single submitter. Criteria: Ambry Variant Classification Scheme 2023. Collection method: clinical testing. Allele origin: germline.
Comment: The p.P2340L variant (also known as c.7019C>T), located in coding exon 34 of the NOTCH1 gene, results from a C to T substitution at nucleotide position 7019. The proline at codon 2340 is replaced by leucine, an amino acid with similar properties. This amino acid position is conserved. In addition, this alteration is predicted to be tolerated by in silico analysis. Since supporting evidence is limited at this time, the clinical significance of this alteration remains unclear.